The following is an entry in ClinVar:

ClinVar aggregate classification (germline): Likely benign. Review status: criteria provided, multiple submitters, no conflicts (2 of 4 stars). 3 submissions from 3 submitters: Likely benign (2). 1 of the submissions does not count toward it. Last evaluated 2024-02-23.

Conditions:
SAG-related disorder. Also called: SAG-related condition; SAG-related disorders.

Allele frequency attached by ClinVar (database versions not stated): ExAC 0.00006; gnomAD 0.00006 and 0.00007; gnomAD exomes 0.00006; TOPMed 0.00008; 1000 Genomes Project 0.00020; 1000 Genomes Project 30x 0.00031.
gnomAD v4.1: 48 of 1,613,728 alleles (0.003%); highest among the groups gnomAD compares: East Asian, 0.04%; no homozygotes.

Submissions (3):

Labcorp Genetics (formerly Invitae), Labcorp
Classification: Likely benign. Last evaluated: 2024-02-23. Review status: criteria provided, single submitter. Criteria: Invitae Variant Classification Sherloc (09022015). Collection method: clinical testing. Allele origin: germline.

Blueprint Genetics
Classification: Likely benign. Last evaluated: 2023-10-12. Review status: criteria provided, single submitter. Criteria: ACMG Guidelines, 2015. Collection method: clinical testing. Allele origin: germline.

PreventionGenetics, part of Exact Sciences
Classification: Likely benign for SAG-related condition. Last evaluated: 2019-10-31. Review status: no assertion criteria provided. Collection method: clinical testing. Allele origin: germline. Not counted in ClinVar's aggregate classification.
Comment: This variant is classified as likely benign based on ACMG/AMP sequence variant interpretation guidelines (Richards et al. 2015 PMID: 25741868, with internal and published modifications).

NM_000541.5(SAG):c.144C>T (p.Val48=)

Gene: SAG (S-antigen visual arrestin; plus strand). Cytogenetic location: 2q37.1.
Variant type: single nucleotide variant.
Coding change: c.144C>T on transcript NM_000541.5 (MANE Select); coding-DNA position 144, C replaced by T.
Protein change: p.Val48=; no amino-acid change (valine 48 retained).
Molecular consequence: synonymous variant.
Genome position (GRCh38, 1-based): chr2:233,318,758, C>T. VCF-style: chr2-233318758-C-T. GRCh37 (hg19) VCF-style: chr2-234227404-C-T.
Other names: c.144C>T (NM_000541.4).
Identifiers: ClinVar variation 1125342 (VCV001125342.11), dbSNP rs534970020, ClinGen allele CA2174233.